The following is an entry in ClinVar:

NM_001365536.1(SCN9A):c.1790G>A (p.Arg597Gln)

Genes: SCN1A-AS1 (SCN1A and SCN9A antisense RNA 1; plus strand), SCN9A (sodium voltage-gated channel alpha subunit 9; minus strand). Cytogenetic location: 2q24.3.
Variant type: single nucleotide variant.
Coding change: c.1790G>A on transcript NM_001365536.1 (MANE Select); coding-DNA position 1790, G replaced by A.
Protein change: p.Arg597Gln; replaces arginine 597 with glutamine.
Molecular consequence: missense variant.
Genome position (GRCh38, 1-based): chr2:166,284,637, C>T on the plus strand (G>A on the coding strand, the complement: SCN9A is on the minus strand). VCF-style: chr2-166284637-C-T. GRCh37 (hg19) VCF-style: chr2-167141147-C-T.
Other names: p.Arg597Gln; c.1790G>A, p.Arg597Gln (NM_002977.4); short protein forms R597Q.
Identifiers: ClinVar variation 408584 (VCV000408584.17), dbSNP rs200821646, ClinGen allele CA1944432.

ClinVar aggregate classification (germline): Conflicting classifications of pathogenicity. Review status: criteria provided, conflicting classifications (1 of 4 stars). 4 submissions from 4 submitters: Uncertain significance (3); Likely benign (1). Last evaluated 2026-05-15.

Conditions:
SCN9A-related disorder. Also called: SCN9A-related disorders; SCN9A-related condition.
Neuropathy, hereditary sensory and autonomic, type 2A (HSAN2A). Also called: ACROOSTEOLYSIS, GIACCAI TYPE; ACROOSTEOLYSIS, NEUROGENIC; WNK1-Related HSAN2 (HSAN2A); MORVAN DISEASE; NEUROPATHY, CONGENITAL SENSORY; NEUROPATHY, HEREDITARY SENSORY RADICULAR, AUTOSOMAL RECESSIVE. Identifiers: Orphanet 970, MedGen C2752089, MONDO:0024309, OMIM 201300.
Generalized epilepsy with febrile seizures plus, type 7 (GEFSP7). Also called: GEFS+, TYPE 7. Identifiers: Orphanet 36387, MedGen C2751778, MONDO:0013470, OMIM 613863.
Inborn genetic diseases. Identifiers: MedGen C0950123, MeSH D030342.

Allele frequency attached by ClinVar (database versions not stated): ExAC 0.00002; gnomAD exomes 0.00002 and 0.00004; gnomAD 0.00006 and 0.00007; TOPMed 0.00008.
gnomAD v4.1: 65 of 1,613,860 alleles (0.004%); highest among the groups gnomAD compares: Non-Finnish European, 0.005%; no homozygotes.

Submissions (4):

PreventionGenetics, part of Exact Sciences
Classification: Uncertain significance for SCN9A-related condition. Last evaluated: 2026-05-15. Review status: criteria provided, single submitter. Criteria: ACMG Guidelines, 2015. Collection method: clinical testing. Allele origin: germline.
Comment: The SCN9A c.1790G>A variant is predicted to result in the amino acid substitution p.Arg597Gln. To our knowledge, this variant has not been reported in the literature. This variant is reported in 0.0041% of alleles in individuals of African descent in gnomAD. At this time, the clinical significance of this variant is uncertain due to the absence of conclusive functional and genetic evidence.

Labcorp Genetics (formerly Invitae), Labcorp
Classification: Likely benign for Neuropathy, hereditary sensory and autonomic, type 2A; Generalized epilepsy with febrile seizures plus, type 7. Last evaluated: 2026-01-11. Review status: criteria provided, single submitter. Criteria: Invitae Variant Classification Sherloc (09022015). Collection method: clinical testing. Allele origin: germline.

Ambry Genetics
Classification: Uncertain significance for Inborn genetic diseases. Last evaluated: 2025-08-22. Review status: criteria provided, single submitter. Criteria: Ambry Variant Classification Scheme 2023. Collection method: clinical testing. Allele origin: germline.
Comment: The c.1790G>A (p.R597Q) alteration is located in exon 12 (coding exon 11) of the SCN9A gene. This alteration results from a G to A substitution at nucleotide position 1790, causing the arginine (R) at amino acid position 597 to be replaced by a glutamine (Q). The alteration has been observed in population databases: Based on data from the Genome Aggregation Database (gnomAD), the c.1790G>A alteration was observed in 0.002% (6/280,464) of total alleles studied. The altered amino acid is conserved throughout evolution: The p.R597 amino acid is conserved in available vertebrate species. In silico prediction is conflicting: The p.R597Q alteration is predicted to be possibly damaging by Polyphen and tolerated by SIFT in silico analyses. Based on insufficient or conflicting evidence, the clinical significance of this alteration remains unclear.

Mayo Clinic Laboratories, Mayo Clinic
Classification: Uncertain significance. Last evaluated: 2024-08-12. Review status: criteria provided, single submitter. Criteria: ACMG Guidelines, 2015. Collection method: clinical testing. Allele origin: germline. Observed: 1 variant allele.